The following is an entry in ClinVar:

ClinVar aggregate classification (germline): Uncertain significance (1 of 4 stars; one submission).

Conditions:
MYO15A-related disorder. Also called: MYO15A-related condition.

gnomAD v4.1: 8 of 1,613,798 alleles (0.0005%); highest among the groups gnomAD compares: East Asian, 0.0067%; no homozygotes.

Submission:

PreventionGenetics, part of Exact Sciences
Classification: Uncertain significance for MYO15A-related condition. Last evaluated: 2024-11-21. Review status: criteria provided, single submitter. Criteria: ACMG Guidelines, 2015. Collection method: clinical testing. Allele origin: germline.
Comment: The MYO15A c.104G>A variant is predicted to result in the amino acid substitution p.Arg35Gln. To our knowledge, this variant has not been reported in the literature or in a large population database (gnomAD), indicating this variant is rare. At this time, the clinical significance of this variant is uncertain due to the absence of conclusive functional and genetic evidence.

NM_016239.4(MYO15A):c.104G>A (p.Arg35Gln)

Gene: MYO15A (myosin XVA; plus strand). Cytogenetic location: 17p11.2.
Variant type: single nucleotide variant.
Coding change: c.104G>A on transcript NM_016239.4 (MANE Select); coding-DNA position 104, G replaced by A.
Protein change: p.Arg35Gln; replaces arginine 35 with glutamine.
Molecular consequence: missense variant.
Genome position (GRCh38, 1-based): chr17:18,118,904, G>A. VCF-style: chr17-18118904-G-A. GRCh37 (hg19) VCF-style: chr17-18022218-G-A.
Other names: short protein forms R35Q.
Identifiers: ClinVar variation 4996621 (VCV004996621.1).
Genomic context (GRCh38, chr17:18,118,904, plus strand): 5'-AGAAGGGGAAGAAGGCACCGGAGCCGGAGAAGCCCAAACGGAGCCTGAAGGGGACGTCGC[G>A]GCTGTTCATGGGCTTCCGCGACCGTACACCCAAGATCTCCAAGAAGGGCCAGTTCCGCAG-3'
Protein context (NP_057323.3, residues 25-45): KPKRSLKGTS[Arg35Gln]LFMGFRDRTP